The following is an entry in ClinVar:

NM_001142503.3(STARD8):c.1466_1483del (p.485PA[2])

Gene: STARD8 (StAR related lipid transfer domain containing 8; plus strand). Cytogenetic location: Xq13.1.
Variant type: Deletion.
Coding change: c.1466_1483del on transcript NM_001142503.3 (MANE Select); coding-DNA positions 1466 to 1483, 18 bases deleted (CGGCCCCGGCCCCAGCCC).
Protein change: p.485PA[2].
Molecular consequence: inframe deletion.
Genome position (GRCh38, 1-based): chrX:68,718,380-68,718,397, CGGCCCCGGCCCCAGCCC deleted; deleting any 18 consecutive bases within chrX:68,718,363-68,718,397 gives the same sequence; the c. name uses the placement nearest the transcript's 3' end. VCF-style (leftmost placement, unchanged base first): chrX-68718362-AGGCCCCGGCCCCAGCCCC-A. GRCh37 (hg19) VCF-style: chrX-67938204-AGGCCCCGGCCCCAGCCCC-A.
Other names: c.1226_1243del, p.405PA[2] (NM_001142504.3, NM_014725.5).
Identifiers: ClinVar variation 2660789 (VCV002660789.24), dbSNP rs780681745, ClinGen allele CA10437647.

ClinVar aggregate classification (germline): Likely benign (1 of 4 stars; one submission).

Submission:

CeGaT Center for Human Genetics Tuebingen
Classification: Likely benign. Last evaluated: 2023-03-01. Review status: criteria provided, single submitter. Criteria: CeGaT Center For Human Genetics Tuebingen Variant Classification Criteria Version 2. Collection method: clinical testing. Allele origin: germline. Affected: yes. Observed: 1 variant allele.
Comment: STARD8: BS2